The following is an entry in ClinVar:

NM_000260.4(MYO7A):c.3862G>C (p.Ala1288Pro)

Gene: MYO7A (myosin VIIA; plus strand). Cytogenetic location: 11q13.5.
Variant type: single nucleotide variant.
Coding change: c.3862G>C on transcript NM_000260.4 (MANE Select); coding-DNA position 3862, G replaced by C.
Protein change: p.Ala1288Pro; replaces alanine 1288 with proline.
Molecular consequence: missense variant.
Genome position (GRCh38, 1-based): chr11:77,190,808, G>C. VCF-style: chr11-77190808-G-C. GRCh37 (hg19) VCF-style: chr11-76901853-G-C.
Other names: NM_000260.4(MYO7A):c.3862G>C; p.Ala1288Pro; c.3862G>C, p.Ala1288Pro (NM_001127180.2); c.3829G>C, p.Ala1277Pro (NM_001369365.1); short protein forms A1277P, A1288P.
Identifiers: ClinVar variation 866837 (VCV000866837.27), dbSNP rs749747871, ClinGen allele CA6198221.

ClinVar aggregate classification (germline): Likely pathogenic. Review status: reviewed by expert panel (3 of 4 stars). 11 submissions from 11 submitters: Likely pathogenic (1). 10 of the submissions do not count toward it. Last evaluated 2022-12-21.

Conditions:
Retinal dystrophy. Also called: Inherited retinal dystrophy. Identifiers: Orphanet 71862, MedGen C0854723, MeSH D058499, MONDO:0019118, HP:0000556.
Nonsyndromic genetic hearing loss. Also called: Nonsyndromic hearing loss and deafness; Nonsyndromic genetic deafness; Non-syndromic genetic deafness. Identifiers: Orphanet 87884, MedGen C5680182, MONDO:0019497.
Monogenic hearing loss.
MYO7A-related disorder. Also called: MYO7A-related disorders.
Usher syndrome type 1 (USH1). Also called: RETINITIS PIGMENTOSA AND CONGENITAL DEAFNESS. Identifiers: Orphanet 231169, Orphanet 886, MedGen C1568247, MONDO:0010168, OMIM 276900.
Usher syndrome type 1B (USH1B). Also called: Usher syndrome type IB. Identifiers: MedGen C1848638, MONDO:0700087.
Usher syndrome. Also called: Usher Syndromes; Usher's syndrome. Identifiers: MONDO:0019501, Orphanet 886, MedGen CN469326, MeSH D052245. Disease mechanism: loss of function.

Allele frequency attached by ClinVar (database versions not stated): TOPMed 0.00002; gnomAD exomes 0.00003; ExAC 0.00004; gnomAD 0.00005 and 0.00006.
gnomAD v4.1: 48 of 1,591,784 alleles (0.003%); highest among the groups gnomAD compares: Non-Finnish European, 0.004%; no homozygotes.

Submissions (11):

ClinGen Hearing Loss Variant Curation Expert Panel
Classification: Likely pathogenic for Nonsyndromic genetic hearing loss. Last evaluated: 2022-12-21. Review status: reviewed by expert panel. Criteria: Clingen Hl Acmg Specifications Cdh23 Coch Gjb2 Kcnq4 Myo6 Myo7a Slc26a4 Tecta Ush2a V2. Collection method: curation. Allele origin: germline. Inheritance: Autosomal recessive inheritance.
Comment: The NM_000260.4:c.3862G>C variant in the MYO7A gene is a missense variant predicted to cause substitution of alanine to proline at amino acid 1288 (p.Ala1288Pro). The highest population minor allele frequency in gnomAD v2.1.1 is 0.006% (7/110006 alleles) in the European (non-Finnish) population, which is lower than the ClinGen Hearing Loss VCEP threshold (<0.007%) for PM2_Supporting. The computational predictor REVEL gives a score of 0.833, evidence that correlates with impact to MYO7A function (PP3). This variant has been detected in five individuals with hearing loss or clinical features of Usher syndrome who were compound heterozygous for the variant and a pathogenic or likely pathogenic variant. However, for each individual phase was unknown (PMID: 10094549, 26969326, SCV001533246.2, 2.5 PM3 points) (PM3_Strong, PP4). In summary, this variant meets the criteria to be classified as Likely Pathogenic for autosomal recessive Usher syndrome, based on the ACMG/AMP criteria applied, as specified by the ClinGen Hearing Loss Variant Curation Expert Panel: (PM3_Strong, PM2_Supporting, PP3, PP4). (VCEP specifications version 2.0.0; December 21, 2022)

Genetics Laboratory, Great Ormond Street Hospital NHS Foundation Trust, North Thames Genomic Laboratory Hub
Classification: Likely pathogenic for Monogenic hearing loss. Last evaluated: 2026-03-19. Review status: criteria provided, single submitter. Criteria: ACGS Best Practice Guidelines for Variant Classification in Rare Disease 2024 v1.2. Collection method: clinical testing. Allele origin: germline. Affected: yes. Not counted in ClinVar's aggregate classification.
Comment: PM2_moderate, PP3_supporting, PM3_strong, PP4_supporting

Labcorp Genetics (formerly Invitae), Labcorp
Classification: Pathogenic. Last evaluated: 2025-12-19. Review status: criteria provided, single submitter. Criteria: Invitae Variant Classification Sherloc (09022015). Collection method: clinical testing. Allele origin: germline. Not counted in ClinVar's aggregate classification.
Comment: This sequence change replaces alanine, which is neutral and non-polar, with proline, which is neutral and non-polar, at codon 1288 of the MYO7A protein (p.Ala1288Pro). The frequency data for this variant in the population databases is considered unreliable, as metrics indicate poor data quality at this position in the gnomAD database. This missense change has been observed in individual(s) with Usher syndrome (PMID: 10094549, 10930322, 26969326; internal data). ClinVar contains an entry for this variant (Variation ID: 866837). Invitae Evidence Modeling of protein sequence and biophysical properties (such as structural, functional, and spatial information, amino acid conservation, physicochemical variation, residue mobility, and thermodynamic stability) has been performed for this missense variant. However, the output from this modeling did not meet the statistical confidence thresholds required to predict the impact of this variant on MYO7A protein function. For these reasons, this variant has been classified as Pathogenic.

PreventionGenetics, part of Exact Sciences
Classification: Pathogenic for MYO7A-related condition. Last evaluated: 2025-05-05. Review status: criteria provided, single submitter. Criteria: ACMG Guidelines, 2015. Collection method: clinical testing. Allele origin: germline. Not counted in ClinVar's aggregate classification.
Comment: The MYO7A c.3862G>C variant is predicted to result in the amino acid substitution p.Ala1288Pro. This variant has been reported in the compound heterozygous state or along with a second causative allele in individuals with Usher Syndrome or hearing loss (Table S1, Weisschuh et al. 2024. PubMed ID: 37734845; Table S3, Sloan-Heggen et al. 2016. PubMed ID: 26969326; Janecke et al. 1999. PubMed ID: 10094549; Krawitz et al. 2014. PubMed ID: 25333064; Seco et al. 2017. PubMed ID: 28000701). This variant is reported in 0.0064% of alleles in individuals of European (Non-Finnish) descent in gnomAD. This variant is interpreted as pathogenic.

Natera, Inc.
Classification: Pathogenic for Usher syndrome type 1B. Last evaluated: 2024-12-22. Review status: criteria provided, single submitter. Criteria: Natera Variant Classification Schema (03/2026). Collection method: clinical testing. Allele origin: germline. Not counted in ClinVar's aggregate classification.
Comment: The c.3862G>C variant in MYO7A is a missense variant predicted to cause substitution of alanine to proline at amino acid 1288. This variant is rare in the general population with a frequency below the threshold expected for the associated phenotype(s). This variant has been observed in one or more individuals affected with the associated recessive disease, as either homozygous or compound heterozygous with a second variant (PMID: 10930322, 10094549, 25333064, 28000701, 26969326). Computational prediction algorithms indicate this variant is likely to affect gene or protein function. Given the available evidence, this variant is classified as Pathogenic.

Women's Health and Genetics/Laboratory Corporation of America, LabCorp
Classification: Pathogenic for Usher syndrome. Last evaluated: 2023-09-18. Review status: criteria provided, single submitter. Criteria: LabCorp Variant Classification Summary - May 2015. Collection method: clinical testing. Allele origin: germline. Not counted in ClinVar's aggregate classification.
Comment: Variant summary: MYO7A c.3862G>C (p.Ala1288Pro) results in a non-conservative amino acid change located in the FERM domain (IPR000299) and Band 4.1 domain (IPR019749) of the encoded protein sequence. Five of five in-silico tools predict a damaging effect of the variant on protein function. The variant allele was found at a frequency of 2.8e-05 in 212778 control chromosomes (i.e., 6 heterozygotes; gnomAD v2.1 Exomes dataset). The available data on variant occurrences in the general population are insufficient to allow any conclusion about variant significance. c.3862G>C has been reported in the literature in multiple compound heterozygous and homozygous individuals affected with Usher Syndrome (e.g., Janecke_1999, Bharadwaj_2000, Jacobsen_2008, Krawitz_2014, Sloan-Heggen_2016, Zazo-Seco_2017). These data indicate that the variant is very likely to be associated with disease. The following publications have been ascertained in the context of this evaluation (PMID: 10930322, 18463160, 10094549, 25333064, 26969326, 28000701). Six submitters have reported clinical-significance assessments for this variant to ClinVar after 2014. All submitters classified the variant as pathogenic/likely pathogenic. Based on the evidence outlined above, the variant was classified as pathogenic.

Institute of Human Genetics, University of Leipzig Medical Center
Classification: Likely pathogenic for Usher syndrome type 1. Last evaluated: 2023-04-19. Review status: criteria provided, single submitter. Criteria: ACMG Guidelines, 2015. Collection method: clinical testing. Allele origin: unknown. Affected: yes. Not counted in ClinVar's aggregate classification.
Comment: This variant was identified as compound heterozygous with NM_000260.4:c.2766_2779del._x000D_ Criteria applied: PM3_STR, PM2_SUP, PP3, PP4

Blueprint Genetics
Classification: Pathogenic for MYO7A-related disorders. Last evaluated: 2021-11-22. Review status: criteria provided, single submitter. Criteria: ACMG Guidelines, 2015. Collection method: clinical testing. Allele origin: germline. Affected: yes. Observed: 5 variant alleles. Not counted in ClinVar's aggregate classification.

Institute of Medical Genetics and Applied Genomics, University Hospital Tübingen
Classification: Likely pathogenic. Last evaluated: 2021-06-17. Review status: criteria provided, single submitter. Criteria: ACMG Guidelines, 2015. Collection method: clinical testing. Allele origin: germline. Inheritance: Autosomal recessive inheritance. Affected: yes. Not counted in ClinVar's aggregate classification.

Institute of Human Genetics, Univ. Regensburg, Univ. Regensburg
Classification: Likely pathogenic for Retinal dystrophy. Last evaluated: 2020-01-01. Review status: criteria provided, single submitter. Criteria: ACMG Guidelines, 2015. Collection method: clinical testing. Allele origin: germline. Affected: yes. Not counted in ClinVar's aggregate classification.

Revvity Omics, Revvity
Classification: Likely pathogenic. Last evaluated: 2019-12-17. Review status: criteria provided, single submitter. Criteria: ACMG Guidelines, 2015. Collection method: clinical testing. Allele origin: germline. Not counted in ClinVar's aggregate classification.

Literature cited by the submitters: PubMed 10094549 (cited by 4 submitters); PubMed 10930322 (cited by 3 submitters); PubMed 26969326 (cited by 4 submitters); PubMed 25333064 (cited by Natera, Inc. and Women's Health and Genetics/Laboratory Corporation of America, LabCorp); PubMed 28000701 (cited by Natera, Inc. and Women's Health and Genetics/Laboratory Corporation of America, LabCorp); PubMed 18463160 (cited by Women's Health and Genetics/Laboratory Corporation of America, LabCorp); PubMed 31964843 (cited by Institute of Human Genetics, Univ. Regensburg, Univ. Regensburg).